The following is an entry in ClinVar:

ClinVar aggregate classification (germline): Uncertain significance (1 of 4 stars; one submission).

Conditions:
Mitochondrial DNA depletion syndrome, encephalomyopathic form with methylmalonic aciduria (MTDPS5). Also called: SUCLA2-Related Mitochondrial DNA Depletion Syndrome, Encephalomyopathic Form with Methylmalonic Aciduria; Mitochondrial encephalomyopathy aminoacidopathy; MITOCHONDRIAL DNA DEPLETION SYNDROME, ENCEPHALOMYOPATHIC FORM, WITH OR WITHOUT METHYLMALONIC ACIDURIA, AUTOSOMAL RECESSIVE, SUCLA2-RELATED; Mitochondrial DNA depletion syndrome 5 (encephalomyopathic with or without methylmalonic aciduria). Identifiers: Orphanet 1933, MedGen C5980207, MONDO:0012791, OMIM 612073.

Allele frequency attached by ClinVar (database versions not stated): gnomAD 0.00001; TOPMed 0.00001; ESP Exome Variant Server 0.00008.
gnomAD v4.1: 1 of 1,613,856 alleles (0.000062%); highest among the groups gnomAD compares: Non-Finnish European, 0.000085%; no homozygotes.

Submission:

Labcorp Genetics (formerly Invitae), Labcorp
Classification: Uncertain significance for Mitochondrial DNA depletion syndrome, encephalomyopathic form with methylmalonic aciduria. Last evaluated: 2022-11-01. Review status: criteria provided, single submitter. Criteria: Invitae Variant Classification Sherloc (09022015). Collection method: clinical testing. Allele origin: germline.
Comment: In summary, the available evidence is currently insufficient to determine the role of this variant in disease. Therefore, it has been classified as a Variant of Uncertain Significance. Advanced modeling of protein sequence and biophysical properties (such as structural, functional, and spatial information, amino acid conservation, physicochemical variation, residue mobility, and thermodynamic stability) performed at Invitae indicates that this missense variant is not expected to disrupt SUCLA2 protein function. ClinVar contains an entry for this variant (Variation ID: 1402993). This variant has not been reported in the literature in individuals affected with SUCLA2-related conditions. This variant is not present in population databases (gnomAD no frequency). This sequence change replaces leucine, which is neutral and non-polar, with tryptophan, which is neutral and slightly polar, at codon 156 of the SUCLA2 protein (p.Leu156Trp).

NM_003850.3(SUCLA2):c.467T>G (p.Leu156Trp)

Gene: SUCLA2 (succinate-CoA ligase ADP-forming subunit beta; minus strand). Cytogenetic location: 13q14.2.
Variant type: single nucleotide variant.
Coding change: c.467T>G on transcript NM_003850.3 (MANE Select); coding-DNA position 467, T replaced by G.
Protein change: p.Leu156Trp; replaces leucine 156 with tryptophan.
Molecular consequence: missense variant.
Genome position (GRCh38, 1-based): chr13:47,988,608, A>C on the plus strand (T>G on the coding strand, the complement: SUCLA2 is on the minus strand). VCF-style: chr13-47988608-A-C. GRCh37 (hg19) VCF-style: chr13-48562743-A-C.
Other names: short protein forms L156W.
Identifiers: ClinVar variation 1402993 (VCV001402993.8), dbSNP rs374513034, ClinGen allele CA249276933.